The following is an entry in ClinVar:

NM_001303052.2(MYT1L):c.2802_2809dup (p.Ile937fs)

Gene: MYT1L (myelin transcription factor 1 like; minus strand). Cytogenetic location: 2p25.3.
Variant type: Duplication.
Coding change: c.2802_2809dup on transcript NM_001303052.2 (MANE Select); coding-DNA positions 2802 to 2809, 8 bases duplicated (AAGTGGTA; older notation c.2802_2809dupAAGTGGTA).
Protein change: p.Ile937fs; shifts the reading frame from isoleucine 937.
Molecular consequence: frameshift variant.
Genome position (GRCh38, 1-based): chr2:1,840,809-1,840,816, TACCACTT duplicated on the plus strand (AAGTGGTA on the coding strand, the reverse complement: MYT1L is on the minus strand); duplicating any 8 consecutive bases within chr2:1,840,809-1,840,817 gives the same sequence; the c. name uses the placement nearest the transcript's 3' end. VCF-style (leftmost placement, unchanged base first): chr2-1840808-A-ATACCACTT. GRCh37 (hg19) VCF-style: chr2-1844580-A-ATACCACTT.
Other names: c.2802_2809dup, p.Ile937fs (NM_001329844.2, NM_001329845.1, NM_001329851.3); c.2796_2803dup, p.Ile935fs (NM_001329846.3, NM_001329847.2, NM_001329848.1 and 3 more transcripts); short protein forms I935fs, I937fs.
Identifiers: ClinVar variation 4732387 (VCV004732387.1).

ClinVar aggregate classification (germline): Pathogenic (1 of 4 stars; one submission).

Submission:

Labcorp Genetics (formerly Invitae), Labcorp
Classification: Pathogenic. Last evaluated: 2025-12-02. Review status: criteria provided, single submitter. Criteria: Invitae Variant Classification Sherloc (09022015). Collection method: clinical testing. Allele origin: germline.
Comment: This sequence change creates a premature translational stop signal (p.Ile935Lysfs*6) in the MYT1L gene. It is expected to result in an absent or disrupted protein product. Loss-of-function variants in MYT1L are known to be pathogenic (PMID: 25232846). This variant is not present in population databases (gnomAD no frequency). This variant has not been reported in the literature in individuals affected with MYT1L-related conditions. For these reasons, this variant has been classified as Pathogenic.

Literature cited by the submitters: PubMed 25232846.